The following is an entry in ClinVar:

NM_000553.6(WRN):c.3460-1G>A

Gene: WRN (WRN RecQ like helicase; plus strand). Cytogenetic location: 8p12.
Variant type: single nucleotide variant.
Coding change: c.3460-1G>A on transcript NM_000553.6 (MANE Select); the canonical splice acceptor site of the intron before coding-DNA position 3460, G replaced by A.
Molecular consequence: splice acceptor variant.
Genome position (GRCh38, 1-based): chr8:31,147,363, G>A. VCF-style: chr8-31147363-G-A. GRCh37 (hg19) VCF-style: chr8-31004879-G-A.
Identifiers: ClinVar variation 1496072 (VCV001496072.7), dbSNP rs1802899166, ClinGen allele CA370925618.

ClinVar aggregate classification (germline): Pathogenic/Likely pathogenic. Review status: criteria provided, multiple submitters, no conflicts (2 of 4 stars). 2 submissions from 2 submitters: Pathogenic (1); Likely pathogenic (1). Last evaluated 2023-03-31.

Conditions:
Werner syndrome (WRN). Identifiers: Orphanet 902, MedGen C0043119, MONDO:0010196, OMIM 277700.

Allele frequency attached by ClinVar (database versions not stated): gnomAD exomes below 0.00001; TOPMed below 0.00001; gnomAD 0.00001.
gnomAD v4.1: 2 of 1,613,642 alleles (0.00012%); highest among the groups gnomAD compares: Non-Finnish European, 0.00017%; no homozygotes.

Submissions (2):

Baylor Genetics
Classification: Pathogenic for Werner syndrome. Last evaluated: 2023-03-31. Review status: criteria provided, single submitter. Criteria: ACMG Guidelines, 2015. Collection method: clinical testing. Allele origin: unknown.

Labcorp Genetics (formerly Invitae), Labcorp
Classification: Likely pathogenic for Werner syndrome. Last evaluated: 2021-09-23. Review status: criteria provided, single submitter. Criteria: Invitae Variant Classification Sherloc (09022015). Collection method: clinical testing. Allele origin: germline.
Comment: Algorithms developed to predict the effect of sequence changes on RNA splicing suggest that this variant may disrupt the consensus splice site. This sequence change affects an acceptor splice site in intron 29 of the WRN gene. It is expected to disrupt RNA splicing. Variants that disrupt the donor or acceptor splice site typically lead to a loss of protein function (PMID: 16199547), and loss-of-function variants in WRN are known to be pathogenic (PMID: 16673358). This variant is not present in population databases (ExAC no frequency). This variant has not been reported in the literature in individuals affected with WRN-related conditions. In summary, the currently available evidence indicates that the variant is pathogenic, but additional data are needed to prove that conclusively. Therefore, this variant has been classified as Likely Pathogenic.

Literature cited by the submitters: PubMed 16199547 (cited by Labcorp Genetics (formerly Invitae), Labcorp); PubMed 16673358 (cited by Labcorp Genetics (formerly Invitae), Labcorp).